The following is an entry in ClinVar:

NM_001374828.1(ARID1B):c.3955C>T (p.Gln1319Ter)

Gene: ARID1B (AT-rich interaction domain 1B; plus strand). Cytogenetic location: 6q25.3.
Variant type: single nucleotide variant.
Coding change: c.3955C>T on transcript NM_001374828.1 (MANE Select); coding-DNA position 3955, C replaced by T.
Protein change: p.Gln1319Ter; replaces glutamine 1319 with a stop codon.
Molecular consequence: nonsense.
Genome position (GRCh38, 1-based): chr6:157,189,677, C>T. VCF-style: chr6-157189677-C-T. GRCh37 (hg19) VCF-style: chr6-157510811-C-T.
Other names: c.3586C>T (NM_020732.3); c.1456C>T, p.Gln486Ter (NM_001363725.2); c.3835C>T, p.Gln1279Ter (NM_001371656.1, NM_001374820.1); c.3796C>T, p.Gln1266Ter (NM_017519.3); short protein forms Q1266*, Q1279*, Q1319*, Q486*.
Identifiers: ClinVar variation 1223532 (VCV001223532.11), dbSNP rs1554232934, ClinGen allele CA366234066.

ClinVar aggregate classification (germline): Pathogenic. Review status: criteria provided, multiple submitters, no conflicts (2 of 4 stars). 2 submissions from 2 submitters: Pathogenic (2). Last evaluated 2024-02-24.

Submissions (2):

Labcorp Genetics (formerly Invitae), Labcorp
Classification: Pathogenic. Last evaluated: 2024-02-24. Review status: criteria provided, single submitter. Criteria: Invitae Variant Classification Sherloc (09022015). Collection method: clinical testing. Allele origin: germline.
Comment: This sequence change creates a premature translational stop signal (p.Gln1196*) in the ARID1B gene. It is expected to result in an absent or disrupted protein product. Loss-of-function variants in ARID1B are known to be pathogenic (PMID: 25674384, 30349098). This variant is not present in population databases (gnomAD no frequency). This premature translational stop signal has been observed in individual(s) with Coffin-Siris syndrome (PMID: 31530938). ClinVar contains an entry for this variant (Variation ID: 1223532). Algorithms developed to predict the effect of sequence changes on RNA splicing suggest that this variant may disrupt the consensus splice site. For these reasons, this variant has been classified as Pathogenic.

GeneDx
Classification: Pathogenic. Last evaluated: 2019-05-13. Review status: criteria provided, single submitter. Criteria: GeneDx Variant Classification Process June 2021. Collection method: clinical testing. Allele origin: germline. Affected: yes.
Comment: Nonsense variant predicted to result in nonsense mediated decay in a gene for which loss-of-function is a known mechanism of disease; Not observed in large population cohorts (Lek et al., 2016); Has not been previously published as pathogenic or benign to our knowledge; This variant is associated with the following publications: (PMID: 31530938)

Literature cited by the submitters: PubMed 25674384 (cited by Labcorp Genetics (formerly Invitae), Labcorp); PubMed 30349098 (cited by Labcorp Genetics (formerly Invitae), Labcorp); PubMed 31530938 (cited by Labcorp Genetics (formerly Invitae), Labcorp).